The following is an entry in ClinVar:

ClinVar aggregate classification (germline): Uncertain significance (1 of 4 stars; one submission).

Allele frequency attached by ClinVar (database versions not stated): gnomAD exomes below 0.00001; ExAC 0.00001.
gnomAD v4.1: 6 of 1,614,086 alleles (0.00037%); highest among the groups gnomAD compares: Admixed American, 0.005%; no homozygotes.

Submission:

Labcorp Genetics (formerly Invitae), Labcorp
Classification: Uncertain significance. Last evaluated: 2022-01-11. Review status: criteria provided, single submitter. Criteria: Invitae Variant Classification Sherloc (09022015). Collection method: clinical testing. Allele origin: germline.
Comment: Algorithms developed to predict the effect of missense changes on protein structure and function are either unavailable or do not agree on the potential impact of this missense change (SIFT: "Deleterious"; PolyPhen-2: "Probably Damaging"; Align-GVGD: "Class C0"). In summary, the available evidence is currently insufficient to determine the role of this variant in disease. Therefore, it has been classified as a Variant of Uncertain Significance. This variant has not been reported in the literature in individuals affected with LPIN1-related conditions. This variant is present in population databases (rs773625268, gnomAD 0.006%). This sequence change replaces tyrosine, which is neutral and polar, with cysteine, which is neutral and slightly polar, at codon 490 of the LPIN1 protein (p.Tyr490Cys).

NM_001349206.2(LPIN1):c.1577A>G (p.Tyr526Cys)

Gene: LPIN1 (lipin 1; plus strand). Cytogenetic location: 2p25.1.
Variant type: single nucleotide variant.
Coding change: c.1577A>G on transcript NM_001349206.2 (MANE Select); coding-DNA position 1577, A replaced by G.
Protein change: p.Tyr526Cys; replaces tyrosine 526 with cysteine.
Molecular consequence: missense variant. On other transcripts: non-coding transcript variant (1).
Genome position (GRCh38, 1-based): chr2:11,787,101, A>G. VCF-style: chr2-11787101-A-G. GRCh37 (hg19) VCF-style: chr2-11927227-A-G.
Other names: c.1487A>G, p.Tyr496Cys (NM_001261427.3); c.1724A>G, p.Tyr575Cys (NM_001261428.3); c.1469A>G, p.Tyr490Cys (NM_001349199.2, NM_001349200.2, NM_001349201.2 and 1 more transcripts); c.1574A>G, p.Tyr525Cys (NM_001349202.2, NM_001349203.2); c.1577A>G, p.Tyr526Cys (NM_001349204.2, NM_001349205.2); c.1667A>G, p.Tyr556Cys (NM_001349207.2); c.1616A>G, p.Tyr539Cys (NM_001349208.2); short protein forms Y556C, Y575C, Y490C, Y539C, Y525C, Y526C, Y496C.
Identifiers: ClinVar variation 1989257 (VCV001989257.4), dbSNP rs773625268, ClinGen allele CA1533757.